The following is an entry in ClinVar:

ClinVar aggregate classification (germline): Uncertain significance (1 of 4 stars; one submission).

Submission:

Ambry Genetics
Classification: Uncertain significance. Last evaluated: 2024-01-22. Review status: criteria provided, single submitter. Criteria: Ambry Variant Classification Scheme 2023. Collection method: clinical testing. Allele origin: germline.
Comment: The p.I1462F variant (also known as c.4384A>T), located in coding exon 16 of the POLQ gene, results from an A to T substitution at nucleotide position 4384. The isoleucine at codon 1462 is replaced by phenylalanine, an amino acid with highly similar properties. This amino acid position is conserved. In addition, this alteration is predicted to be tolerated by in silico analysis. Based on the available evidence, the clinical significance of this alteration remains unclear.

NM_199420.4(POLQ):c.4384A>T (p.Ile1462Phe)

Gene: POLQ (DNA polymerase theta; minus strand). Cytogenetic location: 3q13.33.
Variant type: single nucleotide variant.
Coding change: c.4384A>T on transcript NM_199420.4 (MANE Select); coding-DNA position 4384, A replaced by T.
Protein change: p.Ile1462Phe; replaces isoleucine 1462 with phenylalanine.
Molecular consequence: missense variant.
Genome position (GRCh38, 1-based): chr3:121,488,547, T>A on the plus strand (A>T on the coding strand, the complement: POLQ is on the minus strand). VCF-style: chr3-121488547-T-A. GRCh37 (hg19) VCF-style: chr3-121207394-T-A.
Other names: short protein forms I1462F.
Identifiers: ClinVar variation 3229997 (VCV003229997.1), dbSNP rs1453052194, ClinGen allele CA354095265.